The following is an entry in ClinVar:

ClinVar aggregate classification (germline): Uncertain significance. Review status: criteria provided, multiple submitters, no conflicts (2 of 4 stars). 3 submissions from 3 submitters: Uncertain significance (3). Last evaluated 2025-09-01.

Conditions:
Charcot-Marie-Tooth disease type 4. Also called: Charcot-Marie-Tooth, Type 4; Charcot-Marie-Tooth disease, type IV. Identifiers: Orphanet 64749, MedGen C4082197, MONDO:0018995.
Inborn genetic diseases. Identifiers: MedGen C0950123, MeSH D030342.

Allele frequency attached by ClinVar (database versions not stated): gnomAD exomes 0.00001 and 0.00002; ExAC 0.00003; TOPMed 0.00004; gnomAD 0.00007; ESP Exome Variant Server 0.00008; 1000 Genomes Project 30x 0.00016; 1000 Genomes Project 0.00020.
gnomAD v4.1: 28 of 1,613,234 alleles (0.0017%); highest among the groups gnomAD compares: African/African-American, 0.017%; no homozygotes.

Submissions (3):

Ambry Genetics
Classification: Uncertain significance for Inborn genetic diseases. Last evaluated: 2025-09-01. Review status: criteria provided, single submitter. Criteria: Ambry Variant Classification Scheme 2023. Collection method: clinical testing. Allele origin: germline.

Labcorp Genetics (formerly Invitae), Labcorp
Classification: Uncertain significance for Charcot-Marie-Tooth disease type 4. Last evaluated: 2022-12-06. Review status: criteria provided, single submitter. Criteria: Invitae Variant Classification Sherloc (09022015). Collection method: clinical testing. Allele origin: germline.
Comment: In summary, the available evidence is currently insufficient to determine the role of this variant in disease. Therefore, it has been classified as a Variant of Uncertain Significance. Algorithms developed to predict the effect of missense changes on protein structure and function output the following: SIFT: "Tolerated"; PolyPhen-2: "Benign"; Align-GVGD: "Class C0". The glutamine amino acid residue is found in multiple mammalian species, which suggests that this missense change does not adversely affect protein function. ClinVar contains an entry for this variant (Variation ID: 659531). This variant has not been reported in the literature in individuals affected with PRX-related conditions. This variant is present in population databases (rs141288626, gnomAD 0.03%). This sequence change replaces arginine, which is basic and polar, with glutamine, which is neutral and polar, at codon 347 of the PRX protein (p.Arg347Gln).

GeneDx
Classification: Uncertain significance. Last evaluated: 2021-04-12. Review status: criteria provided, single submitter. Criteria: GeneDx Variant Classification Process June 2021. Collection method: clinical testing. Allele origin: germline. Affected: yes.
Comment: In silico analysis, which includes protein predictors and evolutionary conservation, supports that this variant does not alter protein structure/function; Has not been previously published as pathogenic or benign to our knowledge

NM_181882.3(PRX):c.1040G>A (p.Arg347Gln)

Gene: PRX (periaxin; minus strand). Cytogenetic location: 19q13.2.
Variant type: single nucleotide variant.
Coding change: c.1040G>A on transcript NM_181882.3 (MANE Select); coding-DNA position 1040, G replaced by A.
Protein change: p.Arg347Gln; replaces arginine 347 with glutamine.
Molecular consequence: missense variant. On other transcripts: 3 prime UTR variant (1).
Genome position (GRCh38, 1-based): chr19:40,397,312, C>T on the plus strand (G>A on the coding strand, the complement: PRX is on the minus strand). VCF-style: chr19-40397312-C-T. GRCh37 (hg19) VCF-style: chr19-40903219-C-T.
Other names: c.*1245G>A (NM_020956.2); short protein forms R347Q.
Identifiers: ClinVar variation 659531 (VCV000659531.14), dbSNP rs141288626, ClinGen allele CA9444334.
Genomic context (GRCh38, chr19:40,397,312, plus strand): 5'-GCCCCAAATCGGGGAAAACTAAGGCGGGGCATCTTCAGGGCCACCTCAGGTGCCTCTCCC[C>T]GGGCCTCCACCTCTGCACCCGGCAAGGCCAGGTCCACCCCCACAGTCGGTGCTGCCACAT-3'
Protein context (NP_870998.2, residues 337-357): LALPGAEVEA[Arg347Gln]GEAPEVALKM